The following is an entry in ClinVar:

ClinVar aggregate classification (germline): Uncertain significance (1 of 4 stars; one submission).

Conditions:
Inborn genetic diseases. Identifiers: MedGen C0950123, MeSH D030342.

Submission:

Ambry Genetics
Classification: Uncertain significance for Inborn genetic diseases. Last evaluated: 2024-12-20. Review status: criteria provided, single submitter. Criteria: Ambry Variant Classification Scheme 2023. Collection method: clinical testing. Allele origin: germline.
Comment: The p.H217Q variant (also known as c.651T>G), located in coding exon 2 of the FANCM gene, results from a T to G substitution at nucleotide position 651. The histidine at codon 217 is replaced by glutamine, an amino acid with highly similar properties. This amino acid position is conserved. In addition, the in silico prediction for this alteration is inconclusive. Based on the available evidence, the clinical significance of this variant remains unclear.

NM_020937.4(FANCM):c.651T>G (p.His217Gln)

Gene: FANCM (FA complementation group M; plus strand). Cytogenetic location: 14q21.2.
Variant type: single nucleotide variant.
Coding change: c.651T>G on transcript NM_020937.4 (MANE Select); coding-DNA position 651, T replaced by G.
Protein change: p.His217Gln; replaces histidine 217 with glutamine.
Molecular consequence: missense variant.
Genome position (GRCh38, 1-based): chr14:45,137,211, T>G. VCF-style: chr14-45137211-T-G. GRCh37 (hg19) VCF-style: chr14-45606414-T-G.
Other names: c.651T>G, p.His217Gln (NM_001308133.2, NM_001308134.2); short protein forms H217Q.
Identifiers: ClinVar variation 3848524 (VCV003848524.1).
Genomic context (GRCh38, chr14:45,137,211, plus strand): 5'-CCTTTCTAGAGGAGCTTGTCCCGCTGCTGAAATAAAGTGTTTAGTTATTGATGAAGCTCA[T>G]AAAGCTCTCGGAAACTATGCTTATTGCCAGGTAATAATTTTGTTAAACGGTATTTTGTAT-3'
Protein context (NP_065988.1, residues 207-227): EIKCLVIDEA[His217Gln]KALGNYAYCQ